The following is an entry in ClinVar:

NM_001197104.2(KMT2A):c.10675A>C (p.Lys3559Gln)

Gene: KMT2A (lysine methyltransferase 2A; plus strand). Cytogenetic location: 11q23.3.
Variant type: single nucleotide variant.
Coding change: c.10675A>C on transcript NM_001197104.2 (MANE Select); coding-DNA position 10675, A replaced by C.
Protein change: p.Lys3559Gln; replaces lysine 3559 with glutamine.
Molecular consequence: missense variant.
Genome position (GRCh38, 1-based): chr11:118,506,567, A>C. VCF-style: chr11-118506567-A-C. GRCh37 (hg19) VCF-style: chr11-118377282-A-C.
Other names: c.10765A>C, p.Lys3589Gln (NM_001412597.1); c.10666A>C, p.Lys3556Gln (NM_005933.4); short protein forms K3589Q, K3556Q, K3559Q.
Identifiers: ClinVar variation 2063550 (VCV002063550.5), dbSNP rs1950587448, ClinGen allele CA382826726.

ClinVar aggregate classification (germline): Uncertain significance. Review status: criteria provided, multiple submitters, no conflicts (2 of 4 stars). 2 submissions from 2 submitters: Uncertain significance (2). Last evaluated 2022-11-15.

Allele frequency attached by ClinVar (database versions not stated): TOPMed below 0.00001.

Submissions (2):

GeneDx
Classification: Uncertain significance. Last evaluated: 2022-11-15. Review status: criteria provided, single submitter. Criteria: GeneDx Variant Classification Process June 2021. Collection method: clinical testing. Allele origin: germline. Affected: yes.
Comment: Not observed at significant frequency in large population cohorts (gnomAD); In silico analysis supports that this missense variant does not alter protein structure/function; Has not been previously published as pathogenic or benign to our knowledge

Labcorp Genetics (formerly Invitae), Labcorp
Classification: Uncertain significance. Last evaluated: 2021-12-28. Review status: criteria provided, single submitter. Criteria: Invitae Variant Classification Sherloc (09022015). Collection method: clinical testing. Allele origin: germline.
Comment: In summary, the available evidence is currently insufficient to determine the role of this variant in disease. Therefore, it has been classified as a Variant of Uncertain Significance. This sequence change replaces lysine, which is basic and polar, with glutamine, which is neutral and polar, at codon 3559 of the KMT2A protein (p.Lys3559Gln). This variant is not present in population databases (gnomAD no frequency). This variant has not been reported in the literature in individuals affected with KMT2A-related conditions. Advanced modeling of protein sequence and biophysical properties (such as structural, functional, and spatial information, amino acid conservation, physicochemical variation, residue mobility, and thermodynamic stability) performed at Invitae indicates that this missense variant is expected to disrupt KMT2A protein function.